The following is an entry in ClinVar:

ClinVar aggregate classification (germline): Conflicting classifications of pathogenicity. Review status: criteria provided, conflicting classifications (1 of 4 stars). 3 submissions from 3 submitters: Uncertain significance (1); Likely benign (2). Last evaluated 2023-08-04.

Conditions:
Cornelia de Lange syndrome 1 (CDLS1). Also called: Brachmann de Lange syndrome; NIPBL-Related Cornelia de Lange Syndrome; TYPUS DEGENERATIVUS AMSTELODAMENSIS. Identifiers: Orphanet 199, MedGen C4551851, MONDO:0007387, OMIM 122470.

Allele frequency attached by ClinVar (database versions not stated): gnomAD 0.00001 and 0.00002; TOPMed 0.00001; ExAC 0.00003.
gnomAD v4.1: 15 of 1,612,260 alleles (0.00093%); highest among the groups gnomAD compares: African/African-American, 0.0027%; no homozygotes.

Submissions (3):

Labcorp Genetics (formerly Invitae), Labcorp
Classification: Uncertain significance for Cornelia de Lange syndrome 1. Last evaluated: 2023-08-04. Review status: criteria provided, single submitter. Criteria: Invitae Variant Classification Sherloc (09022015). Collection method: clinical testing. Allele origin: germline.
Comment: This sequence change replaces asparagine, which is neutral and polar, with serine, which is neutral and polar, at codon 1921 of the NIPBL protein (p.Asn1921Ser). This variant is present in population databases (rs587783983, gnomAD 0.003%). This variant has not been reported in the literature in individuals affected with NIPBL-related conditions. ClinVar contains an entry for this variant (Variation ID: 159160). Advanced modeling of protein sequence and biophysical properties (such as structural, functional, and spatial information, amino acid conservation, physicochemical variation, residue mobility, and thermodynamic stability) performed at Invitae indicates that this missense variant is not expected to disrupt NIPBL protein function. In summary, the available evidence is currently insufficient to determine the role of this variant in disease. Therefore, it has been classified as a Variant of Uncertain Significance.

Genome-Nilou Lab
Classification: Likely benign for Cornelia de Lange syndrome 1. Last evaluated: 2021-07-15. Review status: criteria provided, single submitter. Criteria: ACMG Guidelines, 2015. Collection method: clinical testing. Allele origin: germline. Affected: no.

Genetic Services Laboratory, University of Chicago
Classification: Likely benign. Last evaluated: 2013-02-08. Review status: criteria provided, single submitter. Criteria: ACMG Guidelines, 2007. Collection method: clinical testing. Allele origin: germline. Inheritance: Autosomal dominant inheritance.

NM_133433.4(NIPBL):c.5762A>G (p.Asn1921Ser)

Gene: NIPBL (NIPBL cohesin loading factor; plus strand). Cytogenetic location: 5p13.2.
Variant type: single nucleotide variant.
Coding change: c.5762A>G on transcript NM_133433.4 (MANE Select); coding-DNA position 5762, A replaced by G.
Protein change: p.Asn1921Ser; replaces asparagine 1921 with serine.
Molecular consequence: missense variant.
Genome position (GRCh38, 1-based): chr5:37,026,281, A>G. VCF-style: chr5-37026281-A-G. GRCh37 (hg19) VCF-style: chr5-37026383-A-G.
Other names: c.5762A>G, p.Asn1921Ser (NM_015384.5); short protein forms N1921S.
Identifiers: ClinVar variation 159160 (VCV000159160.17), dbSNP rs587783983, ClinGen allele CA172730.